The following is an entry in ClinVar:

ClinVar aggregate classification (germline): Uncertain significance (1 of 4 stars; one submission).

Conditions:
Charcot-Marie-Tooth disease axonal type 2C (HMSN2C). Also called: CHARCOT-MARIE-TOOTH DISEASE, AXONAL, AUTOSOMAL DOMINANT, TYPE 2C; Charcot-Marie-Tooth Neuropathy Type 2C; Charcot-Marie-Tooth Disease Type 2, TRPV4-Related (CMT2C). Identifiers: Orphanet 99937, MedGen C1853710, MONDO:0011633, OMIM 606071.

gnomAD v4.1: 11 of 1,614,168 alleles (0.00068%); highest among the groups gnomAD compares: Middle Eastern, 0.016%; no homozygotes.

Submission:

Labcorp Genetics (formerly Invitae), Labcorp
Classification: Uncertain significance for Charcot-Marie-Tooth disease axonal type 2C. Last evaluated: 2024-10-28. Review status: criteria provided, single submitter. Criteria: Invitae Variant Classification Sherloc (09022015). Collection method: clinical testing. Allele origin: germline.
Comment: This sequence change replaces proline, which is neutral and non-polar, with serine, which is neutral and polar, at codon 82 of the TRPV4 protein (p.Pro82Ser). This variant is present in population databases (rs752687084, gnomAD 0.002%). This variant has not been reported in the literature in individuals affected with TRPV4-related conditions. Invitae Evidence Modeling of protein sequence and biophysical properties (such as structural, functional, and spatial information, amino acid conservation, physicochemical variation, residue mobility, and thermodynamic stability) has been performed for this missense variant. However, the output from this modeling did not meet the statistical confidence thresholds required to predict the impact of this variant on TRPV4 protein function. In summary, the available evidence is currently insufficient to determine the role of this variant in disease. Therefore, it has been classified as a Variant of Uncertain Significance.

NM_021625.5(TRPV4):c.244C>T (p.Pro82Ser)

Gene: TRPV4 (transient receptor potential cation channel subfamily V member 4; minus strand). Cytogenetic location: 12q24.11.
Variant type: single nucleotide variant.
Coding change: c.244C>T on transcript NM_021625.5 (MANE Select); coding-DNA position 244, C replaced by T.
Protein change: p.Pro82Ser; replaces proline 82 with serine.
Molecular consequence: missense variant.
Genome position (GRCh38, 1-based): chr12:109,814,553, G>A on the plus strand (C>T on the coding strand, the complement: TRPV4 is on the minus strand). VCF-style: chr12-109814553-G-A. GRCh37 (hg19) VCF-style: chr12-110252358-G-A.
Other names: c.244C>T, p.Pro82Ser (NM_001177428.2, NM_001177433.2, NM_147204.3); c.142C>T, p.Pro48Ser (NM_001177431.2); short protein forms P48S, P82S.
Identifiers: ClinVar variation 3688628 (VCV003688628.2).